The following is an entry in ClinVar:

ClinVar aggregate classification (germline): Uncertain significance (0 of 4 stars; one submission).

Conditions:
PDXK-related disorder. Also called: PDXK-related condition.

Allele frequency attached by ClinVar (database versions not stated): TOPMed below 0.00001.
gnomAD v4.1: 1 of 1,547,132 alleles (0.000065%); highest among the groups gnomAD compares: Non-Finnish European, 0.000087%; no homozygotes.

Submission:

PreventionGenetics, part of Exact Sciences
Classification: Uncertain significance for PDXK-related condition. Last evaluated: 2023-11-15. Review status: no assertion criteria provided. Collection method: clinical testing. Allele origin: germline.
Comment: The PDXK c.17C>T variant is predicted to result in the amino acid substitution p.Pro6Leu. This variant is referred to c.143-100C>T (intronic) with an alternate transcript NM_003681. To our knowledge, this variant has not been reported in the literature. This variant is reported in 0.0012% of alleles in individuals of European (Non-Finnish) descent in gnomAD. At this time, the clinical significance of this variant is uncertain due to the absence of conclusive functional and genetic evidence.

NM_003681.5(PDXK):c.143-100C>T

Gene: PDXK (pyridoxal kinase; plus strand). Cytogenetic location: 21q22.3.
Variant type: single nucleotide variant.
Coding change: c.143-100C>T on transcript NM_003681.5 (MANE Select); 100 bases into the intron before coding-DNA position 143, C replaced by T.
Molecular consequence: intron variant. On other transcripts: missense variant (1).
Genome position (GRCh38, 1-based): chr21:43,741,567, C>T. VCF-style: chr21-43741567-C-T. GRCh37 (hg19) VCF-style: chr21-45161448-C-T.
Other names: c.17C>T, p.Pro6Leu (NM_001331030.2); short protein forms P6L.
Identifiers: ClinVar variation 3061003 (VCV003061003.2), dbSNP rs1486957429, ClinGen allele CA410401353.